The following is an entry in ClinVar:

NM_000520.6(HEXA):c.1039G>T (p.Asp347Tyr)

Gene: HEXA (hexosaminidase subunit alpha; minus strand). Cytogenetic location: 15q23.
Variant type: single nucleotide variant.
Coding change: c.1039G>T on transcript NM_000520.6 (MANE Select); coding-DNA position 1039, G replaced by T.
Protein change: p.Asp347Tyr; replaces aspartic acid 347 with tyrosine.
Molecular consequence: missense variant. On other transcripts: non-coding transcript variant (1).
Genome position (GRCh38, 1-based): chr15:72,348,082, C>A on the plus strand (G>T on the coding strand, the complement: HEXA is on the minus strand). VCF-style: chr15-72348082-C-A. GRCh37 (hg19) VCF-style: chr15-72640423-C-A.
Other names: c.1072G>T, p.Asp358Tyr (NM_001318825.2); short protein forms D347Y, D358Y.
Identifiers: ClinVar variation 943184 (VCV000943184.13), dbSNP rs745555933, ClinGen allele CA7644835.

ClinVar aggregate classification (germline): Uncertain significance. Review status: criteria provided, single submitter (1 of 4 stars). 2 submissions from 2 submitters: Uncertain significance (1). 1 of the submissions does not count toward it. Last evaluated 2019-08-02.

Conditions:
Tay-Sachs disease (TSD). Also called: HEXA DEFICIENCY; GM2 gangliosidosis, type 1; Hexosaminidase alpha-subunit deficiency (variant B); Sphingolipidosis, Tay-Sachs; HEXA Disorders; Hexosaminidase A Deficiency. Identifiers: Orphanet 845, MedGen C0039373, MONDO:0010100, OMIM 272800.

gnomAD v4.1: 2 of 1,613,856 alleles (0.00012%); highest among the groups gnomAD compares: East Asian, 0.0022%; no homozygotes.

Submissions (2):

Labcorp Genetics (formerly Invitae), Labcorp
Classification: Uncertain significance for Tay-Sachs disease. Last evaluated: 2019-08-02. Review status: criteria provided, single submitter. Criteria: Invitae Variant Classification Sherloc (09022015). Collection method: clinical testing. Allele origin: germline.
Comment: This variant is present in population databases (rs745555933, ExAC 0.009%). This sequence change replaces aspartic acid with tyrosine at codon 347 of the HEXA protein (p.Asp347Tyr). The aspartic acid residue is highly conserved and there is a large physicochemical difference between aspartic acid and tyrosine. This variant has not been reported in the literature in individuals with HEXA-related conditions. In summary, the available evidence is currently insufficient to determine the role of this variant in disease. Therefore, it has been classified as a Variant of Uncertain Significance. Algorithms developed to predict the effect of missense changes on protein structure and function are either unavailable or do not agree on the potential impact of this missense change (SIFT: "Deleterious"; PolyPhen-2: "Probably Damaging"; Align-GVGD: "Class C15").

Natera, Inc.
Classification: Uncertain significance for Tay-Sachs disease. Last evaluated: 2021-06-01. Review status: no assertion criteria provided. Collection method: clinical testing. Allele origin: germline. Not counted in ClinVar's aggregate classification.